The following is an entry in ClinVar:

ClinVar aggregate classification (germline): Uncertain significance (1 of 4 stars; one submission).

Conditions:
Neuroblastoma, susceptibility to, 3. Also called: ALK-Related Neuroblastic Tumor Susceptibility. Identifiers: Orphanet 635, MedGen C2751681, MONDO:0013083, OMIM 613014.

Submission:

Labcorp Genetics (formerly Invitae), Labcorp
Classification: Uncertain significance for Neuroblastoma, susceptibility to, 3. Last evaluated: 2023-11-13. Review status: criteria provided, single submitter. Criteria: Invitae Variant Classification Sherloc (09022015). Collection method: clinical testing. Allele origin: germline.
Comment: This sequence change replaces glutamine, which is neutral and polar, with leucine, which is neutral and non-polar, at codon 1146 of the ALK protein (p.Gln1146Leu). This variant is not present in population databases (gnomAD no frequency). This variant has not been reported in the literature in individuals affected with ALK-related conditions. ClinVar contains an entry for this variant (Variation ID: 2009025). An algorithm developed to predict the effect of missense changes on protein structure and function (PolyPhen-2) suggests that this variant is likely to be disruptive. In summary, the available evidence is currently insufficient to determine the role of this variant in disease. Therefore, it has been classified as a Variant of Uncertain Significance.

NM_004304.5(ALK):c.3437A>T (p.Gln1146Leu)

Gene: ALK (ALK receptor tyrosine kinase; minus strand). Cytogenetic location: 2p23.2.
Variant type: single nucleotide variant.
Coding change: c.3437A>T on transcript NM_004304.5 (MANE Select); coding-DNA position 3437, A replaced by T.
Protein change: p.Gln1146Leu; replaces glutamine 1146 with leucine.
Molecular consequence: missense variant.
Genome position (GRCh38, 1-based): chr2:29,222,530, T>A on the plus strand (A>T on the coding strand, the complement: ALK is on the minus strand). VCF-style: chr2-29222530-T-A. GRCh37 (hg19) VCF-style: chr2-29445396-T-A.
Other names: c.233A>T, p.Gln78Leu (NM_001353765.2); short protein forms Q1146L, Q78L.
Identifiers: ClinVar variation 2009025 (VCV002009025.4), dbSNP rs2148169145, ClinGen allele CA346463625.